The following is an entry in ClinVar:

ClinVar aggregate classification (germline): Pathogenic (1 of 4 stars; one submission).

Conditions:
Hereditary breast ovarian cancer syndrome. Also called: Hereditary breast and ovarian cancer; Hereditary breast and ovarian cancer syndrome (HBOC); Breast and ovarian cancer; Hereditary breast and/or ovarian cancer syndrome; BRCA1- and BRCA2-Associated Hereditary Breast and Ovarian Cancer; Hereditary breast and ovarian cancer syndrome. Identifiers: Orphanet 145, MedGen C0677776, MeSH D061325, MONDO:0003582. Disease mechanism: loss of function.

Submissions (2):

Labcorp Genetics (formerly Invitae), Labcorp
Classification: Pathogenic for Hereditary breast ovarian cancer syndrome. Last evaluated: 2026-01-09. Review status: criteria provided, single submitter. Criteria: Invitae Variant Classification Sherloc (09022015). Collection method: clinical testing. Allele origin: germline.
Comment: This sequence change creates a premature translational stop signal (p.Tyr1666*) in the BRCA1 gene. It is expected to result in an absent or disrupted protein product. Loss-of-function variants in BRCA1 are known to be pathogenic (PMID: 20104584). This variant is not present in population databases (gnomAD no frequency). This variant has not been reported in the literature in individuals affected with BRCA1-related conditions. ClinVar contains an entry for this variant (Variation ID: 868100). Algorithms developed to predict the effect of sequence changes on RNA splicing suggest that this variant may disrupt the consensus splice site. For these reasons, this variant has been classified as Pathogenic.

Brotman Baty Institute, University of Washington
No classification provided (evidence only). Condition: Breast-ovarian cancer, familial 1. Review status: no classification provided. Collection method: in vitro. Allele origin: not applicable. Functional consequence: functionally_abnormal. Not counted in ClinVar's aggregate classification.
ClinVar note: "not provided" was previously submitted as the classification for the variant. However, the classification appeared to be based only on an observation of functional data so it was converted to no classification on 2025-07-30.

Literature cited by the submitters: PubMed 20104584 (cited by Labcorp Genetics (formerly Invitae), Labcorp).

NM_007294.4(BRCA1):c.4998C>G (p.Tyr1666Ter)

Gene: BRCA1 (BRCA1 DNA repair associated; minus strand). Cytogenetic location: 17q21.31.
Variant type: single nucleotide variant.
Coding change: c.4998C>G on transcript NM_007294.4 (MANE Select); coding-DNA position 4998, C replaced by G.
Protein change: p.Tyr1666Ter; replaces tyrosine 1666 with a stop codon.
Molecular consequence: nonsense. On other transcripts: non-coding transcript variant (1).
Genome position (GRCh38, 1-based): chr17:43,067,684, G>C on the plus strand (C>G on the coding strand, the complement: BRCA1 is on the minus strand). VCF-style: chr17-43067684-G-C. GRCh37 (hg19) VCF-style: chr17-41219701-G-C.
Other names: c.4785C>G, p.Tyr1595Ter (NM_001407571.1, NM_001407894.1, NM_001407895.1 and 12 more transcripts); c.5064C>G, p.Tyr1688Ter (NM_001407581.1, NM_001407582.1); c.5061C>G, p.Tyr1687Ter (NM_001407583.1, NM_001407585.1, NM_001407587.1 and 1 more transcripts); c.5058C>G, p.Tyr1686Ter (NM_001407590.1, NM_001407591.1); c.4998C>G, p.Tyr1666Ter (NM_001407593.1, NM_001407594.1, NM_001407596.1 and 8 more transcripts); c.4995C>G, p.Tyr1665Ter (NM_001407617.1, NM_001407618.1, NM_001407619.1 and 17 more transcripts); c.4992C>G, p.Tyr1664Ter (NM_001407636.1, NM_001407637.1, NM_001407638.1 and 14 more transcripts); c.4989C>G, p.Tyr1663Ter (NM_001407644.1, NM_001407645.1); and 70 more; short protein forms Y1666*, Y1619*, Y1687*, Y562*, Y1553*, Y1555*, Y1596*, Y1623*.
Identifiers: ClinVar variation 868100 (VCV000868100.4), dbSNP rs730882165, ClinGen allele CA10591524.